The following is an entry in ClinVar:

NM_000484.4(APP):c.356-19T>G

Gene: APP (amyloid beta precursor protein; minus strand). Cytogenetic location: 21q21.3.
Variant type: single nucleotide variant.
Coding change: c.356-19T>G on transcript NM_000484.4 (MANE Select); 19 bases into the intron before coding-DNA position 356, T replaced by G.
Molecular consequence: intron variant.
Genome position (GRCh38, 1-based): chr21:26,053,367, A>C on the plus strand (T>G on the coding strand, the complement: APP is on the minus strand). VCF-style: chr21-26053367-A-C. GRCh37 (hg19) VCF-style: chr21-27425683-A-C.
Other names: c.251-19T>G (NM_001136131.3); c.188-19T>G (NM_001136129.3, NM_001136130.3); c.356-19T>G (NM_001204303.2, NM_201414.3, NM_001385253.1 and 3 more transcripts); c.341-19T>G (NM_001136016.3).
Identifiers: ClinVar variation 2637480 (VCV002637480.1), dbSNP rs761238827, ClinGen allele CA9987667.

ClinVar aggregate classification (germline): Likely benign (1 of 4 stars; one submission).

Allele frequency attached by ClinVar (database versions not stated): gnomAD exomes below 0.00001; ExAC 0.00001; gnomAD 0.00001; TOPMed 0.00002.
gnomAD v4.1: 3 of 1,489,912 alleles (0.0002%); highest among the groups gnomAD compares: African/African-American, 0.0041%; no homozygotes.

Submission:

Women's Health and Genetics/Laboratory Corporation of America, LabCorp
Classification: Likely benign. Last evaluated: 2023-10-26. Review status: criteria provided, single submitter. Criteria: LabCorp Variant Classification Summary - May 2015. Collection method: clinical testing. Allele origin: germline.
Comment: Variant summary: APP c.356-19T>G alters a non-conserved nucleotide located at a position not widely known to affect splicing. Consensus agreement among computation tools predict no significant impact on normal splicing. However, these predictions have yet to be confirmed by functional studies. The variant allele was found at a frequency of 8e-06 in 250982 control chromosomes. The available data on variant occurrences in the general population are insufficient to allow any conclusion about variant significance. To our knowledge, no occurrence of c.356-19T>G in individuals affected with Alzheimer Disease and no experimental evidence demonstrating its impact on protein function have been reported. No submitters have cited clinical-significance assessments for this variant to ClinVar after 2014. Based on the evidence outlined above, the variant was classified as likely benign.